The following is an entry in ClinVar:

NM_000397.4(CYBB):c.625C>T (p.His209Tyr)

Gene: CYBB (cytochrome b-245 beta chain; plus strand). Cytogenetic location: Xp21.1.
Variant type: single nucleotide variant.
Coding change: c.625C>T on transcript NM_000397.4 (MANE Select); coding-DNA position 625, C replaced by T.
Protein change: p.His209Tyr; replaces histidine 209 with tyrosine.
Molecular consequence: missense variant.
Genome position (GRCh38, 1-based): chrX:37,796,092, C>T. VCF-style: chrX-37796092-C-T. GRCh37 (hg19) VCF-style: chrX-37655345-C-T.
Other names: short protein forms H209Y.
Identifiers: ClinVar variation 10922 (VCV000010922.3), dbSNP rs137854587, ClinGen allele CA121234.

ClinVar aggregate classification (germline): Uncertain significance. Review status: criteria provided, single submitter (1 of 4 stars). 3 submissions from 3 submitters: Uncertain significance (1). 2 of the submissions do not count toward it. Last evaluated 2024-10-06.

Conditions:
Granulomatous disease, chronic, X-linked. Also called: GRANULOMATOUS DISEASE, CHRONIC, X-LINKED, SOMATIC MOSAIC; CYTOCHROME b-NEGATIVE GRANULOMATOUS DISEASE, CHRONIC, X-LINKED. Identifiers: Orphanet 379, MedGen C1844376, MONDO:0010600, OMIM 306400.

Submissions (3):

Labcorp Genetics (formerly Invitae), Labcorp
Classification: Uncertain significance for Granulomatous disease, chronic, X-linked. Last evaluated: 2024-10-06. Review status: criteria provided, single submitter. Criteria: Invitae Variant Classification Sherloc (09022015). Collection method: clinical testing. Allele origin: germline.
Comment: This sequence change replaces histidine, which is basic and polar, with tyrosine, which is neutral and polar, at codon 209 of the CYBB protein (p.His209Tyr). This variant is not present in population databases (gnomAD no frequency). This missense change has been observed in individual(s) with chronic granulomatous disease (PMID: 1710153, 22562447). ClinVar contains an entry for this variant (Variation ID: 10922). Invitae Evidence Modeling of protein sequence and biophysical properties (such as structural, functional, and spatial information, amino acid conservation, physicochemical variation, residue mobility, and thermodynamic stability) indicates that this missense variant is expected to disrupt CYBB protein function with a positive predictive value of 80%. Studies have shown that this missense change alters CYBB gene expression (PMID: 22562447). This variant disrupts the p.His209 amino acid residue in CYBB. Other variant(s) that disrupt this residue have been observed in individuals with CYBB-related conditions (PMID: 18546332), which suggests that this may be a clinically significant amino acid residue. In summary, the available evidence is currently insufficient to determine the role of this variant in disease. Therefore, it has been classified as a Variant of Uncertain Significance.

OMIM
Classification: Pathogenic for GRANULOMATOUS DISEASE, CHRONIC, X-LINKED. Last evaluated: 1991-06-01. Review status: no assertion criteria provided. Collection method: literature only. Allele origin: germline. Not counted in ClinVar's aggregate classification.

UniProtKB/Swiss-Prot
No classification provided. Review status: no classification provided. Collection method: not provided. Allele origin: not provided. Not counted in ClinVar's aggregate classification.

Literature cited by the submitters: PubMed 1710153 (cited by Labcorp Genetics (formerly Invitae), Labcorp and OMIM); PubMed 22562447 (cited by Labcorp Genetics (formerly Invitae), Labcorp); PubMed 18546332 (cited by Labcorp Genetics (formerly Invitae), Labcorp).